The following is an entry in ClinVar:

ClinVar aggregate classification (germline): Likely benign. Review status: criteria provided, multiple submitters, no conflicts (2 of 4 stars). 2 submissions from 2 submitters: Likely benign (2). Last evaluated 2026-01-05.

Conditions:
Hyperphosphatasia with impaired intellectual development syndrome 2. Also called: GLYCOSYLPHOSPHATIDYLINOSITOL BIOSYNTHESIS DEFECT 6; Hyperphosphatasia with intellectual disability syndrome 2. Identifiers: Orphanet 247262, MedGen C3553637, MONDO:0013882, OMIM 614749.

Allele frequency attached by ClinVar (database versions not stated): gnomAD exomes below 0.00001.
gnomAD v4.1: 1 of 1,549,818 alleles (0.000065%); highest among the groups gnomAD compares: Non-Finnish European, 0.000087%; no homozygotes.

Submissions (2):

Labcorp Genetics (formerly Invitae), Labcorp
Classification: Likely benign for Hyperphosphatasia with impaired intellectual development syndrome 2. Last evaluated: 2026-01-05. Review status: criteria provided, single submitter. Criteria: Invitae Variant Classification Sherloc (09022015). Collection method: clinical testing. Allele origin: germline.

GeneDx
Classification: Likely benign. Last evaluated: 2018-02-26. Review status: criteria provided, single submitter. Criteria: GeneDx Variant Classification (06012015). Collection method: clinical testing. Allele origin: germline. Affected: yes.
Comment: This variant is considered likely benign or benign based on one or more of the following criteria: it is a conservative change, it occurs at a poorly conserved position in the protein, it is predicted to be benign by multiple in silico algorithms, and/or has population frequency not consistent with disease.

NM_032634.4(PIGO):c.511+14A>G

Gene: PIGO (phosphatidylinositol glycan anchor biosynthesis class O; minus strand). Cytogenetic location: 9p13.3.
Variant type: single nucleotide variant.
Coding change: c.511+14A>G on transcript NM_032634.4 (MANE Select); 14 bases into the intron after coding-DNA position 511, A replaced by G.
Molecular consequence: intron variant.
Genome position (GRCh38, 1-based): chr9:35,095,041, T>C on the plus strand (A>G on the coding strand, the complement: PIGO is on the minus strand). VCF-style: chr9-35095041-T-C. GRCh37 (hg19) VCF-style: chr9-35095038-T-C.
Other names: c.511+14A>G (NM_152850.4, NM_001201484.2).
Identifiers: ClinVar variation 515771 (VCV000515771.2), dbSNP rs1554673649, ClinGen allele CA658797197.